The following is an entry in ClinVar:

NM_001379500.1(COL18A1):c.3619T>A (p.Ser1207Thr)

Genes: COL18A1 (collagen type XVIII alpha 1 chain; plus strand), SLC19A1 (solute carrier family 19 member 1; minus strand). Cytogenetic location: 21q22.3.
Variant type: single nucleotide variant.
Coding change: c.3619T>A on transcript NM_001379500.1 (MANE Select); coding-DNA position 3619, T replaced by A.
Protein change: p.Ser1207Thr; replaces serine 1207 with threonine.
Molecular consequence: missense variant.
Genome position (GRCh38, 1-based): chr21:45,510,187, T>A. VCF-style: chr21-45510187-T-A. GRCh37 (hg19) VCF-style: chr21-46930101-T-A.
Other names: c.4150T>A, p.Ser1384Thr (NM_030582.4); c.4855T>A, p.Ser1619Thr (NM_130444.3); short protein forms S1207T, S1384T, S1619T.
Identifiers: ClinVar variation 2121083 (VCV002121083.4), dbSNP rs774684691, ClinGen allele CA10067976.

ClinVar aggregate classification (germline): Uncertain significance (1 of 4 stars; one submission).

Allele frequency attached by ClinVar (database versions not stated): gnomAD 0.00001; gnomAD exomes 0.00001; TOPMed 0.00001; ExAC 0.00002.
gnomAD v4.1: 6 of 1,598,474 alleles (0.00038%); highest among the groups gnomAD compares: Admixed American, 0.0086%; no homozygotes.

Submission:

Labcorp Genetics (formerly Invitae), Labcorp
Classification: Uncertain significance. Last evaluated: 2022-06-26. Review status: criteria provided, single submitter. Criteria: Invitae Variant Classification Sherloc (09022015). Collection method: clinical testing. Allele origin: germline.
Comment: In summary, the available evidence is currently insufficient to determine the role of this variant in disease. Therefore, it has been classified as a Variant of Uncertain Significance. Experimental studies and prediction algorithms are not available or were not evaluated, and the functional significance of this variant is currently unknown. This variant has not been reported in the literature in individuals affected with COL18A1-related conditions. This variant is present in population databases (rs774684691, gnomAD 0.01%). This sequence change replaces serine, which is neutral and polar, with threonine, which is neutral and polar, at codon 1204 of the COL18A1 protein (p.Ser1204Thr).